The following is an entry in ClinVar:

NM_017563.5(IL17RD):c.572C>T (p.Pro191Leu)

Gene: IL17RD (interleukin 17 receptor D; minus strand). Cytogenetic location: 3p14.3.
Variant type: single nucleotide variant.
Coding change: c.572C>T on transcript NM_017563.5 (MANE Select); coding-DNA position 572, C replaced by T.
Protein change: p.Pro191Leu; replaces proline 191 with leucine.
Molecular consequence: missense variant.
Genome position (GRCh38, 1-based): chr3:57,106,133, G>A on the plus strand (C>T on the coding strand, the complement: IL17RD is on the minus strand). VCF-style: chr3-57106133-G-A. GRCh37 (hg19) VCF-style: chr3-57140161-G-A.
Other names: c.140C>T, p.Pro47Leu (NM_001318864.2); short protein forms P191L, P47L.
Identifiers: ClinVar variation 180145 (VCV000180145.30), dbSNP rs200088377, ClinGen allele CA185867.

ClinVar aggregate classification (germline): Conflicting classifications of pathogenicity. Review status: criteria provided, conflicting classifications (1 of 4 stars). 5 submissions from 5 submitters: Likely pathogenic (1); Uncertain significance (2); Benign (1). 1 of the submissions does not count toward it. Last evaluated 2022-05-01.

Conditions:
Cerebral arteriovenous malformation (BAVM). Also called: Arteriovenous malformations of the brain; CEREBRAL ARTERIOVENOUS MALFORMATIONS. Identifiers: Orphanet 46724, MedGen C0917804, MONDO:0007154, OMIM 108010, HP:0002408.
Delayed puberty. Identifiers: MedGen C0034012, HP:0000823.

Allele frequency attached by ClinVar (database versions not stated): gnomAD 0.00015 and 0.00012; gnomAD exomes 0.00016 and 0.00013; TOPMed 0.00012; ExAC 0.00013.
gnomAD v4.1: 217 of 1,611,994 alleles (0.013%); highest among the groups gnomAD compares: East Asian, 0.14%; no homozygotes.

Submissions (5):

CeGaT Center for Human Genetics Tuebingen
Classification: Benign. Last evaluated: 2022-05-01. Review status: criteria provided, single submitter. Criteria: CeGaT Center For Human Genetics Tuebingen Variant Classification Criteria Version 2. Collection method: clinical testing. Allele origin: germline. Affected: yes. Observed: 1 variant allele.
Comment: IL17RD: BS1, BS2

Labcorp Genetics (formerly Invitae), Labcorp
Classification: Uncertain significance. Last evaluated: 2021-09-26. Review status: criteria provided, single submitter. Criteria: Invitae Variant Classification Sherloc (09022015). Collection method: clinical testing. Allele origin: germline.
Comment: This sequence change replaces proline with leucine at codon 191 of the IL17RD protein (p.Pro191Leu). The proline residue is highly conserved and there is a moderate physicochemical difference between proline and leucine. This variant is present in population databases (rs200088377, ExAC 0.1%). This variant has been observed in individual(s) with idiopathic hypogonadotropic hypogonadism (PMID: 32389901). ClinVar contains an entry for this variant (Variation ID: 180145). Algorithms developed to predict the effect of missense changes on protein structure and function are either unavailable or do not agree on the potential impact of this missense change (SIFT: "Not Available"; PolyPhen-2: "Possibly Damaging"; Align-GVGD: "Not Available"). In summary, the available evidence is currently insufficient to determine the role of this variant in disease. Therefore, it has been classified as a Variant of Uncertain Significance.

Mendelics
Classification: Uncertain significance for Cerebral arteriovenous malformation. Last evaluated: 2019-05-28. Review status: criteria provided, single submitter. Criteria: Mendelics Assertion Criteria 2017. Collection method: clinical testing. Allele origin: unknown.

Chan Lab, Boston Children's Hospital
Classification: Likely pathogenic for Delayed puberty. Last evaluated: 2014-11-01. Review status: criteria provided, single submitter. Criteria: Submitter's publication. Collection method: case-control. Allele origin: unknown. Affected: yes. Observed: 1 variant allele.

Genetic Services Laboratory, University of Chicago
Classification: Uncertain significance. Last evaluated: 2022-10-03. Review status: no assertion criteria provided. Collection method: clinical testing. Allele origin: germline. Affected: no. Not counted in ClinVar's aggregate classification.
Comment: DNA sequence analysis of the IL17RD gene demonstrated a sequence change, c.572C>T, in exon 6 that results in an amino acid change, p.Pro191Leu. This sequence change has been described in the gnomAD database with a frequency of 0.15% in the East Asian subpopulation (dbSNP rs200088377). The p.Pro191Leu change affects a highly conserved amino acid residue located in a domain of the IL17RD protein that is not known to be functional. In-silico pathogenicity prediction tools (SIFT, PolyPhen2, Align GVGD, REVEL) provide contradictory results for the p.Pro191Leu substitution. Due to insufficient evidences and the lack of functional studies, the clinical significance of the p.Pro191Leu change remains unknown at this time.

Literature cited by the submitters: PubMed 32389901 (cited by Labcorp Genetics (formerly Invitae), Labcorp).